The following is an entry in ClinVar:

ClinVar aggregate classification (germline): Uncertain significance (1 of 4 stars; one submission).

Conditions:
Lipoic acid synthetase deficiency. Also called: HYPERGLYCINEMIA, LACTIC ACIDOSIS, AND SEIZURES. Identifiers: Orphanet 401859, MedGen C3280887, MONDO:0013762, OMIM 614462.

Submission:

Labcorp Genetics (formerly Invitae), Labcorp
Classification: Uncertain significance for Lipoic acid synthetase deficiency. Last evaluated: 2021-02-07. Review status: criteria provided, single submitter. Criteria: Invitae Variant Classification Sherloc (09022015). Collection method: clinical testing. Allele origin: germline.
Comment: In summary, the available evidence is currently insufficient to determine the role of this variant in disease. Therefore, it has been classified as a Variant of Uncertain Significance. Algorithms developed to predict the effect of missense changes on protein structure and function (SIFT, PolyPhen-2, Align-GVGD) all suggest that this variant is likely to be disruptive, but these predictions have not been confirmed by published functional studies and their clinical significance is uncertain. This variant has not been reported in the literature in individuals with LIAS-related conditions. This variant is not present in population databases (ExAC no frequency). This sequence change replaces alanine with proline at codon 235 of the LIAS protein (p.Ala235Pro). The alanine residue is highly conserved and there is a small physicochemical difference between alanine and proline.

NM_006859.4(LIAS):c.703G>C (p.Ala235Pro)

Gene: LIAS (lipoic acid synthetase; plus strand). Cytogenetic location: 4p14.
Variant type: single nucleotide variant.
Coding change: c.703G>C on transcript NM_006859.4 (MANE Select); coding-DNA position 703, G replaced by C.
Protein change: p.Ala235Pro; replaces alanine 235 with proline.
Molecular consequence: missense variant. On other transcripts: intron variant (1).
Genome position (GRCh38, 1-based): chr4:39,467,612, G>C. VCF-style: chr4-39467612-G-C. GRCh37 (hg19) VCF-style: chr4-39469232-G-C.
Other names: c.394G>C, p.Ala132Pro (NM_001363700.2); c.703G>C, p.Ala235Pro (NM_194451.3); c.608+2270G>C (NM_001278590.2); short protein forms A132P, A235P.
Identifiers: ClinVar variation 1461561 (VCV001461561.8), dbSNP rs758964059, ClinGen allele CA356665037.